The following is an entry in ClinVar:

ClinVar aggregate classification (germline): Benign (0 of 4 stars; one submission).

Conditions:
XIRP2-related disorder. Also called: XIRP2-related condition.

Allele frequency attached by ClinVar (database versions not stated): gnomAD exomes 0.00424; ESP Exome Variant Server 0.00736; ExAC 0.01016; gnomAD 0.01093; TOPMed 0.01280; 1000 Genomes Project 0.01717; 1000 Genomes Project 30x 0.01765.
gnomAD v4.1: 7,960 of 1,613,268 alleles (0.49%); highest among the groups gnomAD compares: East Asian, 4.1%; 131 homozygotes.

Submission:

PreventionGenetics, part of Exact Sciences
Classification: Benign for XIRP2-related condition. Last evaluated: 2019-02-19. Review status: no assertion criteria provided. Collection method: clinical testing. Allele origin: germline.
Comment: This variant is classified as benign based on ACMG/AMP sequence variant interpretation guidelines (Richards et al. 2015 PMID: 25741868, with internal and published modifications).

NM_152381.6(XIRP2):c.8708G>A (p.Gly2903Asp)

Gene: XIRP2 (xin actin binding repeat containing 2; plus strand). Cytogenetic location: 2q24.3.
Variant type: single nucleotide variant.
Coding change: c.8708G>A on transcript NM_152381.6 (MANE Select); coding-DNA position 8708, G replaced by A.
Protein change: p.Gly2903Asp; replaces glycine 2903 with aspartic acid.
Molecular consequence: missense variant. On other transcripts: intron variant (3).
Genome position (GRCh38, 1-based): chr2:167,250,100, G>A. VCF-style: chr2-167250100-G-A. GRCh37 (hg19) VCF-style: chr2-168106610-G-A.
Other names: c.8042G>A, p.Gly2681Asp (NM_001199144.2); c.1276-3932G>A (NM_001199143.2); c.1177-3932G>A (NM_001079810.4); c.511-3932G>A (NM_001199145.2); short protein forms G2681D, G2903D.
Identifiers: ClinVar variation 3056874 (VCV003056874.2), dbSNP rs3749002, ClinGen allele CA1947876.